The following is an entry in ClinVar:

ClinVar aggregate classification (germline): Uncertain significance (1 of 4 stars; one submission).

Allele frequency attached by ClinVar (database versions not stated): gnomAD exomes below 0.00001; TOPMed below 0.00001.
gnomAD v4.1: 4 of 1,601,150 alleles (0.00025%); highest among the groups gnomAD compares: Non-Finnish European, 0.00026%; no homozygotes.

Submission:

Labcorp Genetics (formerly Invitae), Labcorp
Classification: Uncertain significance. Last evaluated: 2020-01-20. Review status: criteria provided, single submitter. Criteria: Invitae Variant Classification Sherloc (09022015). Collection method: clinical testing. Allele origin: germline.
Comment: This sequence change replaces glycine with glutamic acid at codon 297 of the SEMA4A protein (p.Gly297Glu). The glycine residue is moderately conserved and there is a moderate physicochemical difference between glycine and glutamic acid. This variant is not present in population databases (ExAC no frequency). This variant has not been reported in the literature in individuals with SEMA4A-related conditions. Algorithms developed to predict the effect of missense changes on protein structure and function output the following: SIFT: "Tolerated"; PolyPhen-2: "Benign"; Align-GVGD: "Class C0". The glutamic acid amino acid residue is found in multiple mammalian species, suggesting that this missense change does not adversely affect protein function. These predictions have not been confirmed by published functional studies and their clinical significance is uncertain. In summary, the available evidence is currently insufficient to determine the role of this variant in disease. Therefore, it has been classified as a Variant of Uncertain Significance.

NM_022367.4(SEMA4A):c.890G>A (p.Gly297Glu)

Gene: SEMA4A (semaphorin 4A; plus strand). Cytogenetic location: 1q22.
Variant type: single nucleotide variant.
Coding change: c.890G>A on transcript NM_022367.4 (MANE Select); coding-DNA position 890, G replaced by A.
Protein change: p.Gly297Glu; replaces glycine 297 with glutamic acid.
Molecular consequence: missense variant.
Genome position (GRCh38, 1-based): chr1:156,161,425, G>A. VCF-style: chr1-156161425-G-A. GRCh37 (hg19) VCF-style: chr1-156131216-G-A.
Other names: c.890G>A, p.Gly297Glu (NM_001193300.2, NM_001193301.2, NM_001370567.1); c.494G>A, p.Gly165Glu (NM_001193302.2); c.593G>A, p.Gly198Glu (NM_001370568.1); c.383G>A, p.Gly128Glu (NM_001370569.1, NM_001370571.1); short protein forms G128E, G165E, G198E, G297E.
Identifiers: ClinVar variation 1035763 (VCV001035763.9), dbSNP rs1653645250, ClinGen allele CA342839309.
Genomic context (GRCh38, chr1:156,161,425, plus strand): 5'-AGCTGCTGCAGAAGAAGTGGACCACCTTCCTGAAGGCCCAGCTGCTCTGCACCCAGCCGG[G>A]GCAGCTGCCCTTCAACGTCATCCGCCACGCGGTCCTGCTCCCCGCCGATTCTCCCACAGC-3'
Protein context (NP_071762.2, residues 287-307): LKAQLLCTQP[Gly297Glu]QLPFNVIRHA